The following is an entry in ClinVar:

ClinVar aggregate classification (germline): Uncertain significance (1 of 4 stars; one submission).

Conditions:
Inborn genetic diseases. Identifiers: MedGen C0950123, MeSH D030342.

Submission:

Ambry Genetics
Classification: Uncertain significance for Inborn genetic diseases. Last evaluated: 2024-04-10. Review status: criteria provided, single submitter. Criteria: Ambry Variant Classification Scheme 2023. Collection method: clinical testing. Allele origin: germline.
Comment: The p.P932L variant (also known as c.2795C>T), located in coding exon 13 of the ATR gene, results from a C to T substitution at nucleotide position 2795. The proline at codon 932 is replaced by leucine, an amino acid with similar properties. This amino acid position is conserved. In addition, this alteration is predicted to be deleterious by in silico analysis. Based on the available evidence, the clinical significance of this variant remains unclear.

NM_001184.4(ATR):c.2795C>T (p.Pro932Leu)

Gene: ATR (ATR serine/threonine kinase; minus strand). Cytogenetic location: 3q23.
Variant type: single nucleotide variant.
Coding change: c.2795C>T on transcript NM_001184.4 (MANE Select); coding-DNA position 2795, C replaced by T.
Protein change: p.Pro932Leu; replaces proline 932 with leucine.
Molecular consequence: missense variant.
Genome position (GRCh38, 1-based): chr3:142,553,237, G>A on the plus strand (C>T on the coding strand, the complement: ATR is on the minus strand). VCF-style: chr3-142553237-G-A. GRCh37 (hg19) VCF-style: chr3-142272079-G-A.
Other names: c.2603C>T, p.Pro868Leu (NM_001354579.2); short protein forms P868L, P932L.
Identifiers: ClinVar variation 3330437 (VCV003330437.1).